The following is an entry in ClinVar:

NM_000548.5(TSC2):c.767G>A (p.Cys256Tyr)

Gene: TSC2 (TSC complex subunit 2; plus strand). Cytogenetic location: 16p13.3.
Variant type: single nucleotide variant.
Coding change: c.767G>A on transcript NM_000548.5 (MANE Select); coding-DNA position 767, G replaced by A.
Protein change: p.Cys256Tyr; replaces cysteine 256 with tyrosine.
Molecular consequence: missense variant.
Genome position (GRCh38, 1-based): chr16:2,056,762, G>A. VCF-style: chr16-2056762-G-A. GRCh37 (hg19) VCF-style: chr16-2106763-G-A.
Other names: c.767G>A, p.Cys256Tyr (NM_001077183.3, NM_001114382.3, NM_001363528.2 and 6 more transcripts); c.656G>A, p.Cys219Tyr (NM_001318827.2, NM_001406670.1, NM_001406678.1); c.620G>A, p.Cys207Tyr (NM_001318829.2, NM_001406675.1, NM_001406676.1 and 1 more transcripts); c.167G>A, p.Cys56Tyr (NM_001318831.2, NM_001406680.1, NM_001406682.1 and 6 more transcripts); c.800G>A, p.Cys267Tyr (NM_001318832.2); c.857G>A, p.Cys286Tyr (NM_001406667.1, NM_001406668.1); c.755G>A, p.Cys252Tyr (NM_001406671.1, NM_001406673.1); c.710G>A, p.Cys237Tyr (NM_001406677.1); and 4 more; short protein forms C102Y, C207Y, C219Y, C237Y, C252Y, C256Y, C267Y, C286Y.
Identifiers: ClinVar variation 1717029 (VCV001717029.6), dbSNP rs1567409304, ClinGen allele CA394312812.

ClinVar aggregate classification (germline): Uncertain significance. Review status: criteria provided, multiple submitters, no conflicts (2 of 4 stars). 2 submissions from 2 submitters: Uncertain significance (2). Last evaluated 2026-06-06.

Conditions:
Hereditary cancer-predisposing syndrome. Also called: Hereditary Cancer Syndrome; Neoplastic Syndromes, Hereditary; Hereditary neoplastic syndrome; Tumor predisposition. Identifiers: Orphanet 140162, MedGen C0027672, MeSH D009386, MONDO:0015356.
Tuberous sclerosis 2 (TSC2). Identifiers: Orphanet 805, MedGen C1860707, MONDO:0013199, OMIM 613254.

Allele frequency attached by ClinVar (database versions not stated): gnomAD exomes below 0.00001.
gnomAD v4.1: 1 of 1,608,818 alleles (0.000062%); highest among the groups gnomAD compares: South Asian, 0.0011%; no homozygotes.

Submissions (2):

Ambry Genetics
Classification: Uncertain significance for Hereditary cancer-predisposing syndrome. Last evaluated: 2026-06-06. Review status: criteria provided, single submitter. Criteria: Ambry Variant Classification Scheme 2023. Collection method: clinical testing. Allele origin: germline.
Comment: The p.C256Y variant (also known as c.767G>A), located in coding exon 7 of the TSC2 gene, results from a G to A substitution at nucleotide position 767. The cysteine at codon 256 is replaced by tyrosine, an amino acid with highly dissimilar properties. This amino acid position is conserved. In addition, this alteration is predicted to be deleterious by in silico analysis. Based on the available evidence, the clinical significance of this variant remains unclear.

Labcorp Genetics (formerly Invitae), Labcorp
Classification: Uncertain significance for Tuberous sclerosis 2. Last evaluated: 2023-09-10. Review status: criteria provided, single submitter. Criteria: Invitae Variant Classification Sherloc (09022015). Collection method: clinical testing. Allele origin: germline.
Comment: Advanced modeling of protein sequence and biophysical properties (such as structural, functional, and spatial information, amino acid conservation, physicochemical variation, residue mobility, and thermodynamic stability) performed at Invitae indicates that this missense variant is not expected to disrupt TSC2 protein function. In summary, the available evidence is currently insufficient to determine the role of this variant in disease. Therefore, it has been classified as a Variant of Uncertain Significance. ClinVar contains an entry for this variant (Variation ID: 1717029). This sequence change replaces cysteine, which is neutral and slightly polar, with tyrosine, which is neutral and polar, at codon 256 of the TSC2 protein (p.Cys256Tyr). This variant is not present in population databases (gnomAD no frequency). This variant has not been reported in the literature in individuals affected with TSC2-related conditions.